The following is an entry in ClinVar:

NM_000388.4(CASR):c.1631G>A (p.Arg544Gln)

Gene: CASR (calcium sensing receptor; plus strand). Cytogenetic location: 3q21.1.
Variant type: single nucleotide variant.
Coding change: c.1631G>A on transcript NM_000388.4 (MANE Select); coding-DNA position 1631, G replaced by A.
Protein change: p.Arg544Gln; replaces arginine 544 with glutamine.
Molecular consequence: missense variant.
Genome position (GRCh38, 1-based): chr3:122,282,135, G>A. VCF-style: chr3-122282135-G-A. GRCh37 (hg19) VCF-style: chr3-122000982-G-A.
Other names: p.Arg544Gln; c.1661G>A, p.Arg554Gln (NM_001178065.2); short protein forms R544Q, R554Q.
Identifiers: ClinVar variation 237758 (VCV000237758.59), dbSNP rs115230894, ClinGen allele CA2569716.

ClinVar aggregate classification (germline): Conflicting classifications of pathogenicity. Review status: criteria provided, conflicting classifications (1 of 4 stars). 20 submissions from 17 submitters: Uncertain significance (9); Benign (1); Likely benign (10). Last evaluated 2026-05-15.

Conditions:
Familial hyperparathyroidism or Hypocalciuric hypercalcaemia.
Autosomal dominant hypocalcemia 1 (HYPOC1). Also called: HYPOCALCEMIA, FAMILIAL. Identifiers: MedGen C3715128, MONDO:0011013, OMIM 601198.
Familial hypocalciuric hypercalcemia (FHH). Also called: Familial benign hypercalcemia. Identifiers: Orphanet 405, MedGen C1809471, MONDO:0018458.
Hereditary cancer-predisposing syndrome. Also called: Tumor predisposition; Hereditary Cancer Syndrome; Neoplastic Syndromes, Hereditary; Hereditary neoplastic syndrome. Identifiers: Orphanet 140162, MedGen C0027672, MeSH D009386, MONDO:0015356.
Nephrolithiasis/nephrocalcinosis. Identifiers: MedGen CN580796.
Familial hypocalciuric hypercalcemia 1. Also called: Hypercalcemia, familial benign type 1. Identifiers: Orphanet 405, Orphanet 93372, MedGen C0342637, MONDO:0007791, OMIM 145980.
Epilepsy, idiopathic generalized, susceptibility to, 8. Identifiers: MedGen C2752062, MONDO:0013032, OMIM 612899.
Neonatal severe primary hyperparathyroidism. Identifiers: Orphanet 417, MedGen C1832615, MONDO:0009397, OMIM 239200.
Familial hypoparathyroidism. Also called: Familial isolated hypoparathyroidism. Identifiers: Orphanet 2238, MedGen C1832648, MONDO:0016390.

Allele frequency attached by ClinVar (database versions not stated): TOPMed 0.00078; gnomAD 0.00080 and 0.00086; ESP Exome Variant Server 0.00108; 1000 Genomes Project 30x 0.00016; 1000 Genomes Project 0.00020.
gnomAD v4.1: 1,989 of 1,614,208 alleles (0.12%); highest among the groups gnomAD compares: Non-Finnish European, 0.14%; 2 homozygotes.

Submissions (20):

Cambridge Genomics Laboratory, East Genomic Laboratory Hub, NHS Genomic Medicine Service
Classification: Uncertain significance for Familial hyperparathyroidism or Hypocalciuric hypercalcaemia. Last evaluated: 2026-05-15. Review status: criteria provided, single submitter. Criteria: ACGS Best Practice Guidelines for Variant Classification in Rare Disease 2020. Collection method: clinical testing. Allele origin: germline. Affected: yes.

Labcorp Genetics (formerly Invitae), Labcorp
Classification: Benign for Familial hypocalciuric hypercalcemia; Autosomal dominant hypocalcemia 1. Last evaluated: 2026-01-27. Review status: criteria provided, single submitter. Criteria: Invitae Variant Classification Sherloc (09022015). Collection method: clinical testing. Allele origin: germline.

Mayo Clinic Laboratories, Mayo Clinic
Classification: Uncertain significance. Last evaluated: 2025-11-23. Review status: criteria provided, single submitter. Criteria: ACMG Guidelines, 2015. Collection method: clinical testing. Allele origin: germline. Observed: 1 variant allele.
Comment: BS1, PP2, PS3_supporting

Center for Genomic Medicine, Rigshospitalet, Copenhagen University Hospital
Classification: Uncertain significance. Last evaluated: 2025-03-04. Review status: criteria provided, single submitter. Criteria: ACMG Guidelines, 2015. Collection method: clinical testing. Allele origin: germline.

Blueprint Genetics
Classification: Likely benign. Last evaluated: 2024-11-23. Review status: criteria provided, single submitter. Criteria: ACMG Guidelines, 2015. Collection method: clinical testing. Allele origin: germline.

CeGaT Center for Human Genetics Tuebingen
Classification: Likely benign. Last evaluated: 2024-02-01. Review status: criteria provided, single submitter. Criteria: CeGaT Center For Human Genetics Tuebingen Variant Classification Criteria Version 2. Collection method: clinical testing. Allele origin: germline. Affected: yes. Observed: 1 variant allele.
Comment: CASR: BP4

ARUP Laboratories, Molecular Genetics and Genomics, ARUP Laboratories
Classification: Uncertain significance. Last evaluated: 2023-03-02. Review status: criteria provided, single submitter. Criteria: ARUP Molecular Germline Variant Investigation Process 2024. Collection method: clinical testing. Allele origin: germline.
Comment: The CASR c.1631G>A; p.Arg544Gln variant (rs115230894) is reported in the literature in individuals with primary hyperparathyroidism or familial hypocalciuric hypercalcemia (Bhangu 2022, Cavaco 2018, Nissen 2012). This variant is also reported in ClinVar (Variation ID: 237758). It is observed in the general population with an overall allele frequency of 0.087% (245/282890 alleles) in the Genome Aggregation Database. Computational analyses are uncertain whether this variant is neutral or deleterious (REVEL: 0.337). Due to limited information, the clinical significance of this variant is uncertain at this time. References: Bhangu JS et al. Novel mutations of the calcium-sensing receptor impede differential diagnosis of primary hyperparathyroidism and familial hypocalciuric hypercalcemia. Gland Surg. 2022 Jan;11(1):12-22. PMID: 35242665. Cavaco BM et al. Homozygous Calcium-Sensing Receptor Polymorphism R544Q Presents as Hypocalcemic Hypoparathyroidism. J Clin Endocrinol Metab. 2018 Aug 1;103(8):2879-2888. PMID: 29846619. Nissen PH et al. Identification of rare and frequent variants of the CASR gene by high-resolution melting. Clin Chim Acta. 2012 Mar 22;413(5-6):605-11. PMID: 22192860.

Daryl Scott Lab, Baylor College of Medicine
Classification: Uncertain significance for Neonatal severe primary hyperparathyroidism. Last evaluated: 2022-08-22. Review status: criteria provided, single submitter. Criteria: ACMG Guidelines, 2015. Collection method: clinical testing. Allele origin: paternal. Observed: 1 variant allele, 1 heterozygote.

Ambry Genetics
Classification: Likely benign for Nephrolithiasis/nephrocalcinosis. Last evaluated: 2022-06-13. Review status: criteria provided, single submitter. Criteria: Ambry Variant Classification Scheme 2023. Collection method: clinical testing. Allele origin: germline.

Women's Health and Genetics/Laboratory Corporation of America, LabCorp
Classification: Likely benign. Last evaluated: 2021-12-17. Review status: criteria provided, single submitter. Criteria: LabCorp Variant Classification Summary - May 2015. Collection method: clinical testing. Allele origin: germline.

Genetic Services Laboratory, University of Chicago
Classification: Uncertain significance. Last evaluated: 2021-07-06. Review status: criteria provided, single submitter. Criteria: ACMG Guidelines, 2015. Collection method: clinical testing. Allele origin: germline. Affected: no.
Comment: DNA sequence analysis of the CASR gene demonstrated a sequence change, c.1631G>A, in exon 6 that results in an amino acid change, p.Arg544Gln. This sequence change has been described in the gnomAD database with a frequency of 0.6% in the Ashkenazi Jewish subpopulation (dbSNP rs115230894). The p.Arg544Gln change affects a moderately conserved amino acid residue located in a domain of the CASR protein that is known to be functional. In-silico pathogenicity prediction tools (SIFT, PolyPhen2, Align GVGD, REVEL) provide contradictory results for the p.Arg544Gln substitution. This variant has been reported in the homozygous state in an individual with hypocalcemic hypoparathyroidism (PMID: 29846619). The authors suggest this variant may be pathogenic in the homozygous state but is unlikely to contribute to disease in the heterozygous state. Due to insufficient evidences and the lack of functional studies, the clinical significance of the p.Arg544Gln change remains unknown at this time.

New York Genome Center
Classification: Uncertain significance for Epilepsy, idiopathic generalized, susceptibility to, 8. Last evaluated: 2021-02-26. Review status: criteria provided, single submitter. Criteria: NYGC Assertion Criteria 2020. Collection method: clinical testing. Allele origin: inherited. Observed: 1 heterozygote. Study: CSER-NYCKidSeq.

Sema4
Classification: Likely benign for Hereditary cancer-predisposing syndrome. Last evaluated: 2020-08-21. Review status: criteria provided, single submitter. Criteria: Sema4 Curation Guidelines. Collection method: curation. Allele origin: germline.

Illumina Laboratory Services, Illumina
Classification: Likely benign for Autosomal dominant hypocalcemia 1. Last evaluated: 2017-04-27. Review status: criteria provided, single submitter. Criteria: ICSL Variant Classification Criteria 13 December 2019. Collection method: clinical testing. Allele origin: germline.
Comment: This variant was observed as part of a predisposition screen in an ostensibly healthy population. A literature search was performed for the gene, cDNA change, and amino acid change (where applicable). No publications were found based on this search. Allele frequency data from public databases allowed determination this variant is unlikely to cause disease. Therefore, this variant is classified as likely benign.

Illumina Laboratory Services, Illumina
Classification: Likely benign for Familial hypocalciuric hypercalcemia 1. Last evaluated: 2017-04-27. Review status: criteria provided, single submitter. Criteria: ICSL Variant Classification Criteria 13 December 2019. Collection method: clinical testing. Allele origin: germline.
Comment: the same text as in the submission from Illumina Laboratory Services, Illumina above.

Illumina Laboratory Services, Illumina
Classification: Likely benign for Neonatal severe primary hyperparathyroidism. Last evaluated: 2017-04-27. Review status: criteria provided, single submitter. Criteria: ICSL Variant Classification Criteria 13 December 2019. Collection method: clinical testing. Allele origin: germline.
Comment: the same text as in the submission from Illumina Laboratory Services, Illumina above.

Illumina Laboratory Services, Illumina
Classification: Likely benign for Familial isolated hypoparathyroidism. Last evaluated: 2017-04-27. Review status: criteria provided, single submitter. Criteria: ICSL Variant Classification Criteria 13 December 2019. Collection method: clinical testing. Allele origin: germline.
Comment: the same text as in the submission from Illumina Laboratory Services, Illumina above.

Eurofins Ntd Llc (ga)
Classification: Uncertain significance. Last evaluated: 2017-04-14. Review status: criteria provided, single submitter. Criteria: EGL Classification Definitions 2015. Collection method: clinical testing. Allele origin: germline. Observed: 1 variant allele, 1 heterozygote.

GeneDx
Classification: Uncertain significance. Last evaluated: 2017-03-21. Review status: criteria provided, single submitter. Criteria: GeneDx Variant Classification (06012015). Collection method: clinical testing. Allele origin: germline. Affected: yes.
Comment: The R544Q variant previously has been reported previously as a rare variant in association with familial hypocalciuric hypercalcemia (FHH) (Nissen et al., 2012). It is not observed at a significant frequency in large population cohorts (Lek et al., 2016; 1000 Genomes Consortium et al., 2015; Exome Variant Server). R544Q is a semi-conservative amino acid substitution, which may impact secondary protein structure as these residues differ in some properties and occurs at a position that is conserved in mammals. Missense variants in nearby residues (C542R, C546S, G549R) have been reported in the Human Gene Mutation Database in association with hypocalciuric hypercalcaemia (Stenson et al., 2014), supporting the functional importance of this region of the protein. However, in silico analysis is inconsistent in its predictions as to whether or not the variant is damaging to the protein structure/function. Based on the currently available information, it is unclear whether this variant is a pathogenic variant or a rare benign variant.

PreventionGenetics, part of Exact Sciences
Classification: Likely benign. Review status: criteria provided, single submitter. Criteria: ACMG Guidelines, 2015. Collection method: clinical testing. Allele origin: germline.

Literature cited by the submitters: PubMed 22192860 (cited by Mayo Clinic Laboratories, Mayo Clinic and Ambry Genetics); PubMed 29846619 (cited by 3 submitters); PubMed 35242665 (cited by Mayo Clinic Laboratories, Mayo Clinic and Center for Genomic Medicine, Rigshospitalet, Copenhagen University Hospital); PubMed 36135330 (cited by Daryl Scott Lab, Baylor College of Medicine).